The following is an entry in ClinVar:

NM_139276.3(STAT3):c.2144C>T (p.Pro715Leu)

Gene: STAT3 (signal transducer and activator of transcription 3; minus strand). Cytogenetic location: 17q21.2.
Variant type: single nucleotide variant.
Coding change: c.2144C>T on transcript NM_139276.3 (MANE Select); coding-DNA position 2144, C replaced by T.
Protein change: p.Pro715Leu; replaces proline 715 with leucine.
Molecular consequence: missense variant. On other transcripts: intron variant (1).
Genome position (GRCh38, 1-based): chr17:42,317,182, G>A on the plus strand (C>T on the coding strand, the complement: STAT3 is on the minus strand). VCF-style: chr17-42317182-G-A. GRCh37 (hg19) VCF-style: chr17-40469200-G-A.
Other names: c.2144C>T, p.Pro715Leu (NM_001369512.1, NM_001369513.1, NM_001369517.1 and 3 more transcripts); c.2141C>T, p.Pro714Leu (NM_001369514.1, NM_001369516.1, NM_001369519.1 and 2 more transcripts); c.2060C>T, p.Pro687Leu (NM_001384984.1); c.2066C>T, p.Pro689Leu (NM_001384985.1); c.2156C>T, p.Pro719Leu (NM_001384986.1); c.2123C>T, p.Pro708Leu (NM_001384987.1); c.2045C>T, p.Pro682Leu (NM_001384989.1); c.2159C>T, p.Pro720Leu (NM_001384990.1); and 3 more; short protein forms P715L, P714L, P682L, P687L, P689L, P695L, P706L, P708L.
Identifiers: ClinVar variation 421171 (VCV000421171.80), dbSNP rs1064794957, ClinGen allele CA16620408.

ClinVar aggregate classification (germline): Pathogenic/Likely pathogenic. Review status: criteria provided, multiple submitters, no conflicts (2 of 4 stars). 10 submissions from 10 submitters: Pathogenic (7); Likely pathogenic (2). 1 of the submissions does not count toward it. Last evaluated 2025-08-08.

Conditions:
Inherited Immunodeficiency Diseases. Identifiers: MedGen C5197805, MeSH D000081207.
STAT3-related early-onset multisystem autoimmune disease. Also called: Autoimmune disease, multisystem, infantile-onset, 1. Identifiers: Orphanet 438159, MedGen C4014795, MONDO:0014414, OMIM 615952.
Hyper-IgE recurrent infection syndrome 1, autosomal dominant. Also called: Hyper-IgE recurrent infection syndrome 1; JOB SYNDROME; HYPER-IgE SYNDROME 1, AUTOSOMAL DOMINANT, WITH RECURRENT INFECTIONS; Job's Syndrome; STAT3 Hyper IgE Syndrome. Identifiers: Orphanet 2314, MedGen C2936739, MONDO:0007818, OMIM 147060.
Inborn genetic diseases. Identifiers: MedGen C0950123, MeSH D030342.
STAT3-related disorder. Also called: STAT3-related condition.
STAT3 gain of function. Identifiers: MedGen C4288261.

Submissions (10):

Labcorp Genetics (formerly Invitae), Labcorp
Classification: Pathogenic for STAT3 gain of function; Hyper-IgE recurrent infection syndrome 1, autosomal dominant. Last evaluated: 2025-08-08. Review status: criteria provided, single submitter. Criteria: Invitae Variant Classification Sherloc (09022015). Collection method: clinical testing. Allele origin: germline.
Comment: This sequence change replaces proline, which is neutral and non-polar, with leucine, which is neutral and non-polar, at codon 715 of the STAT3 protein (p.Pro715Leu). The frequency data for this variant in the population databases is considered unreliable, as metrics indicate poor data quality at this position in the gnomAD database. This missense change has been observed in individual(s) with STAT3-related conditions (PMID: 28253502, 29330115; internal data). In at least one individual the variant was observed to be de novo. ClinVar contains an entry for this variant (Variation ID: 421171). An algorithm developed to predict the effect of missense changes on protein structure and function (PolyPhen-2) suggests that this variant is likely to be tolerated. Experimental studies have shown that this missense change affects STAT3 function (PMID: 28253502). For these reasons, this variant has been classified as Pathogenic.

GeneDx
Classification: Pathogenic. Last evaluated: 2023-08-18. Review status: criteria provided, single submitter. Criteria: GeneDx Variant Classification Process June 2021. Collection method: clinical testing. Allele origin: germline. Affected: yes.
Comment: Not observed at significant frequency in large population cohorts (gnomAD); In silico analysis supports that this missense variant does not alter protein structure/function; Published functional studies demonstrate increased STAT3 transcription in vitro (Jagle et al., 2020); This variant is associated with the following publications: (PMID: 29330115, 34875609, 34556655, 30942636, 28780238, 32577366, 30092289, 32499645, 32581362, 28253502, 31770611, 33519826, 31857100, 32888943, 32944850, 33864888, 22751495, 18602572)

Diagnostic Genetics, Severance Hospital, Yonsei University College of Medicine
Classification: Likely pathogenic for STAT3-related early-onset multisystem autoimmune disease. Last evaluated: 2023-01-03. Review status: criteria provided, single submitter. Criteria: ACMG Guidelines, 2015. Collection method: clinical testing. Allele origin: germline. Affected: yes.

Institute of Medical Genetics, University of Zurich
Classification: Pathogenic for STAT3-related early-onset multisystem autoimmune disease. Last evaluated: 2022-05-06. Review status: criteria provided, single submitter. Criteria: ACMG Guidelines, 2015. Collection method: clinical testing. Allele origin: unknown. Affected: yes.

Blueprint Genetics
Classification: Pathogenic for STAT3-related disorders. Last evaluated: 2021-03-30. Review status: criteria provided, single submitter. Criteria: ACMG Guidelines, 2015. Collection method: clinical testing. Allele origin: germline. Affected: yes. Observed: 2 variant alleles.

Center for Genomics, Ann and Robert H. Lurie Children's Hospital of Chicago
Classification: Pathogenic for STAT3-related early-onset multisystem autoimmune disease; Hyper-IgE recurrent infection syndrome 1, autosomal dominant. Last evaluated: 2021-03-17. Review status: criteria provided, single submitter. Criteria: ACMG Guidelines, 2015. Collection method: clinical testing. Allele origin: germline.
Comment: STAT3 NM_139276.2 exon 22 p.Pro715Leu (c.2144C>T): This variant has been reported in the literature in several individuals, including at least one de novo occurence, who presented with autoimmune and immunodeficiency phenotypes, including at least two with clincial diagnoses of Evan's syndrome (Sediva 2017 PMID:28253502, Besnard 2018 PMID:29330115, Forbes 2018 PMID:30092289, Suh 2019 PMID:30942636, Gonzalez-Mancera 2020 PMID:32577366, Jagle 2020 PMID:31770611, Thaventhiran 2020 PMID:32499645). This variant is not present in large control databases but is present in ClinVar, with several labs classifying this variant as pathogenic or likely pathogenic (Variation ID:421171). Evolutionary conservation and computational predictive tools suggest that this variant may impact the protein. In addition, functional studies have shown a gain-of-function effect of this variant (Jagle 2020 PMID:31770611). However, these studies may not accurately represent in vivo biological function. In summary, this variant is classified as pathogenic based on the data above.

CeGaT Center for Human Genetics Tuebingen
Classification: Pathogenic. Last evaluated: 2019-07-01. Review status: criteria provided, single submitter. Criteria: CeGaT Center For Human Genetics Tuebingen Variant Classification Criteria Version 2. Collection method: clinical testing. Allele origin: germline. Affected: yes. Observed: 2 variant alleles.

NIHR Bioresource Rare Diseases, University of Cambridge
Classification: Pathogenic for Inherited Immunodeficiency Diseases. Last evaluated: 2019-01-01. Review status: criteria provided, single submitter. Criteria: ACMG Guidelines, 2015. Collection method: research. Allele origin: germline. Affected: yes. Observed: 1 heterozygote.

Ambry Genetics
Classification: Likely pathogenic for Inborn genetic diseases. Last evaluated: 2016-03-09. Review status: criteria provided, single submitter. Criteria: Ambry exome assertion method (8-5-2015). Collection method: clinical testing. Allele origin: germline. Affected: yes. Observed: 1 variant allele.

PreventionGenetics, part of Exact Sciences
Classification: Pathogenic for STAT3-related condition. Last evaluated: 2024-08-19. Review status: no assertion criteria provided. Collection method: clinical testing. Allele origin: germline. Not counted in ClinVar's aggregate classification.
Comment: The STAT3 c.2144C>T variant is predicted to result in the amino acid substitution p.Pro715Leu. This variant has been reported in patients with a range of autoimmune disorders, occurring de novo in at least two patients (Sediva et al. 2017. PubMed ID: 28253502; Baxter et al. 2021. PubMed ID: 33864888; Besnard et al. 2018. PubMed ID: 29330115; Gonzalez-Mancera et al. 2020. PubMed ID: 32577366; Suh et al. 2019. PubMed ID: 30942636; Table S1, Thaventhiran et al. 2020. PubMed ID: 32499645; López et al. 2021. PubMed ID: 34875609). An in vitro luciferase reporter assay showed this variant results in gain of function (Jägle et al. 2019. PubMed ID: 31770611). This variant is reported in 0.00088% of alleles in individuals of European (Non-Finnish) descent in gnomAD. This variant is interpreted as pathogenic.

Literature cited by the submitters: PubMed 28253502 (cited by Labcorp Genetics (formerly Invitae), Labcorp); PubMed 29330115 (cited by Labcorp Genetics (formerly Invitae), Labcorp).